The following is an entry in ClinVar:

ClinVar aggregate classification (germline): Uncertain significance (1 of 4 stars; one submission).

Conditions:
Chuvash polycythemia. Also called: POLYCYTHEMIA, VHL-DEPENDENT. Identifiers: Orphanet 238557, MedGen C1837915, MONDO:0009892, OMIM 263400.
Von Hippel-Lindau syndrome (VHLS). Also called: von Hippel–Lindau syndrome; Von Hippel-Lindau; VHL syndrome. Identifiers: Orphanet 892, MedGen C0019562, MONDO:0008667, OMIM 193300. Disease mechanism: loss of function.

Submission:

Labcorp Genetics (formerly Invitae), Labcorp
Classification: Uncertain significance for Von Hippel-Lindau syndrome; Chuvash polycythemia. Last evaluated: 2022-06-27. Review status: criteria provided, single submitter. Criteria: Invitae Variant Classification Sherloc (09022015). Collection method: clinical testing. Allele origin: germline.
Comment: This sequence change falls in intron 1 of the VHL gene. It is not expected to change the encoded amino acid sequence of the VHL protein. However, this sequence change falls within a cryptic exon in the VHL gene, known as exon E1’, which is naturally expressed at low levels in several human tissues (PMID: 29891534). In summary, the available evidence is currently insufficient to determine the role of this variant in disease. Therefore, it has been classified as a Variant of Uncertain Significance. Algorithms developed to predict the effect of sequence changes on RNA splicing suggest that this variant is not likely to affect RNA splicing. This variant has not been reported in the literature in individuals affected with VHL-related conditions. This variant is not present in population databases (gnomAD no frequency).

Literature cited by the submitters: PubMed 29891534.

NM_000551.4(VHL):c.340+655T>C

Genes: VHL (von Hippel-Lindau tumor suppressor; plus strand), LOC107303340 (3p25 von Hippel-Lindau tumor suppressor, E3 ubiquitin protein ligase Alu-mediated recombination region; plus strand). Cytogenetic location: 3p25.3.
Variant type: single nucleotide variant.
Coding change: c.340+655T>C on transcript NM_000551.4 (MANE Select); 655 bases into the intron after coding-DNA position 340, T replaced by C.
Molecular consequence: intron variant. On other transcripts: synonymous variant (1).
Genome position (GRCh38, 1-based): chr3:10,142,842, T>C. VCF-style: chr3-10142842-T-C. GRCh37 (hg19) VCF-style: chr3-10184526-T-C.
Other names: c.420T>C, p.Asp140= (NM_001354723.2); c.340+655T>C (NM_198156.3).
Identifiers: ClinVar variation 1403405 (VCV001403405.8), dbSNP rs2125125937, ClinGen allele CA2573136106.